The following is an entry in ClinVar:

ClinVar aggregate classification (germline): Uncertain significance (1 of 4 stars; one submission).

gnomAD v4.1: 4 of 1,613,232 alleles (0.00025%); highest among the groups gnomAD compares: Non-Finnish European, 0.00025%; no homozygotes.

Submission:

Labcorp Genetics (formerly Invitae), Labcorp
Classification: Uncertain significance. Last evaluated: 2025-11-03. Review status: criteria provided, single submitter. Criteria: Invitae Variant Classification Sherloc (09022015). Collection method: clinical testing. Allele origin: germline.
Comment: This sequence change replaces aspartic acid, which is acidic and polar, with asparagine, which is neutral and polar, at codon 626 of the RNF31 protein (p.Asp626Asn). This variant is not present in population databases (gnomAD no frequency). This variant has not been reported in the literature in individuals affected with RNF31-related conditions. ClinVar contains an entry for this variant (Variation ID: 3623496). An algorithm developed to predict the effect of missense changes on protein structure and function (PolyPhen-2) suggests that this variant is likely to be tolerated. In summary, the available evidence is currently insufficient to determine the role of this variant in disease. Therefore, it has been classified as a Variant of Uncertain Significance.

NM_017999.5(RNF31):c.1876G>A (p.Asp626Asn)

Gene: RNF31 (ring finger protein 31; plus strand). Cytogenetic location: 14q12.
Variant type: single nucleotide variant.
Coding change: c.1876G>A on transcript NM_017999.5 (MANE Select); coding-DNA position 1876, G replaced by A.
Protein change: p.Asp626Asn; replaces aspartic acid 626 with asparagine.
Molecular consequence: missense variant.
Genome position (GRCh38, 1-based): chr14:24,151,623, G>A. VCF-style: chr14-24151623-G-A. GRCh37 (hg19) VCF-style: chr14-24620832-G-A.
Other names: c.1423G>A, p.Asp475Asn (NM_001310332.2); short protein forms D475N, D626N.
Identifiers: ClinVar variation 3623496 (VCV003623496.2).